The following is an entry in ClinVar:

NM_000051.4(ATM):c.8264del (p.Tyr2755fs)

Genes: ATM (ATM serine/threonine kinase; plus strand), C11orf65 (chromosome 11 open reading frame 65; minus strand). Cytogenetic location: 11q22.3.
Variant type: Deletion.
Coding change: c.8264del on transcript NM_000051.4 (MANE Select); coding-DNA position 8264, one base deleted (A; older notation c.8264delA).
Protein change: p.Tyr2755fs; shifts the reading frame from tyrosine 2755.
Molecular consequence: frameshift variant. On other transcripts: intron variant (2).
Genome position (GRCh38, 1-based): chr11:108,335,957, A deleted. VCF-style (leftmost placement, unchanged base first): chr11-108335956-TA-T. GRCh37 (hg19) VCF-style: chr11-108206683-TA-T.
Other names: c.8264del, p.Tyr2755fs (NM_001351834.2); c.641-26886del (NM_001330368.2); c.695-665del (NM_001351110.2); short protein forms Y2755fs.
Identifiers: ClinVar variation 2758990 (VCV002758990.3), dbSNP rs2547349095, ClinGen allele CA2697558883.

ClinVar aggregate classification (germline): Pathogenic (1 of 4 stars; one submission).

Conditions:
Ataxia-telangiectasia syndrome (AT). Also called: LOUIS-BAR SYNDROME; Cerebello-oculocutaneous telangiectasia; Immunodeficiency with ataxia telangiectasia; Ataxia telangiectasia (A-T); Ataxia-telangiectasia, complementation group D; AT, COMPLEMENTATION GROUP C. Identifiers: Orphanet 100, MedGen C0004135, MONDO:0008840, OMIM 208900.

Submission:

Labcorp Genetics (formerly Invitae), Labcorp
Classification: Pathogenic for Ataxia-telangiectasia syndrome. Last evaluated: 2023-09-08. Review status: criteria provided, single submitter. Criteria: Invitae Variant Classification Sherloc (09022015). Collection method: clinical testing. Allele origin: germline.
Comment: This sequence change creates a premature translational stop signal (p.Tyr2755Leufs*51) in the ATM gene. It is expected to result in an absent or disrupted protein product. Loss-of-function variants in ATM are known to be pathogenic (PMID: 23807571, 25614872). This variant is not present in population databases (gnomAD no frequency). This variant has not been reported in the literature in individuals affected with ATM-related conditions. For these reasons, this variant has been classified as Pathogenic.

Literature cited by the submitters: PubMed 23807571; PubMed 25614872.